The following is an entry in ClinVar:

NM_030962.4(SBF2):c.4156-183T>A

Genes: SBF2 (SET binding factor 2; minus strand), SBF2-AS1 (SBF2 antisense RNA 1; plus strand). Cytogenetic location: 11p15.4.
Variant type: single nucleotide variant.
Coding change: c.4156-183T>A on transcript NM_030962.4 (MANE Select); 183 bases into the intron before coding-DNA position 4156, T replaced by A.
Molecular consequence: intron variant. On other transcripts: non-coding transcript variant (1).
Genome position (GRCh38, 1-based): chr11:9,809,185, A>T on the plus strand (T>A on the coding strand, the complement: SBF2 is on the minus strand). VCF-style: chr11-9809185-A-T. GRCh37 (hg19) VCF-style: chr11-9830732-A-T.
Other names: c.4027-183T>A (NM_001386342.1); c.4252-183T>A (NM_001386339.1).
Identifiers: ClinVar variation 669265 (VCV000669265.2), dbSNP rs10770066, ClinGen allele CA15694782.

ClinVar aggregate classification (germline): Benign. Review status: criteria provided, multiple submitters, no conflicts (2 of 4 stars). 2 submissions from 2 submitters: Benign (2). Last evaluated 2018-06-14.

Allele frequency attached by ClinVar (database versions not stated): 1000 Genomes Project 0.83007; 1000 Genomes Project 30x 0.83385; gnomAD exomes 0.87424; TOPMed 0.90170; gnomAD 0.90371 and 0.91265.
gnomAD v4.1: 483,561 of 547,954 alleles (88%); highest among the groups gnomAD compares: African/African-American, 95%; 214,811 homozygotes.

Submissions (2):

GeneDx
Classification: Benign. Last evaluated: 2018-06-14. Review status: criteria provided, single submitter. Criteria: GeneDx Variant Classification (06012015). Collection method: clinical testing. Allele origin: germline. Affected: yes.
Comment: This variant is considered likely benign or benign based on one or more of the following criteria: it is a conservative change, it occurs at a poorly conserved position in the protein, it is predicted to be benign by multiple in silico algorithms, and/or has population frequency not consistent with disease.

Breakthrough Genomics
Classification: Benign. Review status: criteria provided, single submitter. Criteria: ACMG Guidelines, 2015. Collection method: not provided. Allele origin: germline. Inheritance: Autosomal recessive inheritance. Affected: yes.